The following is an entry in ClinVar:

NM_018418.5(SPATA7):c.194C>T (p.Ala65Val)

Gene: SPATA7 (spermatogenesis associated 7; plus strand). Cytogenetic location: 14q31.3.
Variant type: single nucleotide variant.
Coding change: c.194C>T on transcript NM_018418.5 (MANE Select); coding-DNA position 194, C replaced by T.
Protein change: p.Ala65Val; replaces alanine 65 with valine.
Molecular consequence: missense variant.
Genome position (GRCh38, 1-based): chr14:88,396,159, C>T. VCF-style: chr14-88396159-C-T. GRCh37 (hg19) VCF-style: chr14-88862503-C-T.
Other names: c.98C>T, p.Ala33Val (NM_001040428.4); short protein forms A33V, A65V.
Identifiers: ClinVar variation 1417420 (VCV001417420.3), dbSNP rs774821432, ClinGen allele CA7298423.

ClinVar aggregate classification (germline): Uncertain significance (1 of 4 stars; one submission).

Conditions:
Leber congenital amaurosis 3 (LCA3). Also called: SPATA7-Related Retinitis Pigmentosa. Identifiers: MedGen C1858677, MONDO:0011415, OMIM 604232.

Allele frequency attached by ClinVar (database versions not stated): gnomAD exomes below 0.00001 and 0.00001; gnomAD 0.00001; ExAC 0.00002.

Submission:

Labcorp Genetics (formerly Invitae), Labcorp
Classification: Uncertain significance for Leber congenital amaurosis 3. Last evaluated: 2022-03-09. Review status: criteria provided, single submitter. Criteria: Invitae Variant Classification Sherloc (09022015). Collection method: clinical testing. Allele origin: germline.
Comment: This sequence change replaces alanine, which is neutral and non-polar, with valine, which is neutral and non-polar, at codon 65 of the SPATA7 protein (p.Ala65Val). This variant is present in population databases (rs774821432, gnomAD 0.002%). This variant has not been reported in the literature in individuals affected with SPATA7-related conditions. Algorithms developed to predict the effect of missense changes on protein structure and function output the following: SIFT: "Tolerated"; PolyPhen-2: "Benign"; Align-GVGD: "Class C0". The valine amino acid residue is found in multiple mammalian species, which suggests that this missense change does not adversely affect protein function. In summary, the available evidence is currently insufficient to determine the role of this variant in disease. Therefore, it has been classified as a Variant of Uncertain Significance.